The following is an entry in ClinVar:

ClinVar aggregate classification (germline): Conflicting classifications of pathogenicity. Review status: criteria provided, conflicting classifications (1 of 4 stars). 5 submissions from 5 submitters: Uncertain significance (3); Likely benign (2). Last evaluated 2025-10-21.

Conditions:
Inborn genetic diseases. Identifiers: MedGen C0950123, MeSH D030342.
Neurodevelopmental disorder with or without hyperkinetic movements and seizures, autosomal dominant. Also called: Intellectual disability, autosomal dominant 8. Identifiers: MedGen C3280282, MONDO:0013655, OMIM 614254.
Neurodevelopmental disorder with or without hyperkinetic movements and seizures, autosomal recessive. Identifiers: MedGen C4693325, MONDO:0060629, OMIM 617820.

Allele frequency attached by ClinVar (database versions not stated): gnomAD 0.00003; TOPMed 0.00009; ESP Exome Variant Server 0.00015.
gnomAD v4.1: 160 of 1,613,368 alleles (0.0099%); highest among the groups gnomAD compares: Admixed American, 0.022%; no homozygotes.

Submissions (5):

Labcorp Genetics (formerly Invitae), Labcorp
Classification: Likely benign for Neurodevelopmental disorder with or without hyperkinetic movements and seizures, autosomal dominant. Last evaluated: 2025-10-21. Review status: criteria provided, single submitter. Criteria: Invitae Variant Classification Sherloc (09022015). Collection method: clinical testing. Allele origin: germline.

Ambry Genetics
Classification: Uncertain significance for Inborn genetic diseases. Last evaluated: 2020-08-25. Review status: criteria provided, single submitter. Criteria: Ambry Variant Classification Scheme 2023. Collection method: clinical testing. Allele origin: germline.
Comment: The p.A349S variant (also known as c.1045G>T), located in coding exon 7 of the GRIN1 gene, results from a G to T substitution at nucleotide position 1045. The alanine at codon 349 is replaced by serine, an amino acid with similar properties. This variant was identified in a schizophrenia cohort; however, clinical details were limited (Tarabeux J et al. Transl Psychiatry, 2011 Nov;1:e55). This amino acid position is highly conserved in available vertebrate species. In addition, the in silico prediction for this alteration is inconclusive. Since supporting evidence is limited at this time, the clinical significance of this alteration remains unclear.

GeneDx
Classification: Likely benign. Last evaluated: 2020-03-20. Review status: criteria provided, single submitter. Criteria: GeneDx Variant Classification Process June 2021. Collection method: clinical testing. Allele origin: germline. Affected: yes.

Baylor Genetics
Classification: Uncertain significance for Neurodevelopmental disorder with or without hyperkinetic movements and seizures, autosomal recessive. Last evaluated: 2020-03-17. Review status: criteria provided, single submitter. Criteria: ACMG Guidelines, 2015. Collection method: clinical testing. Allele origin: unknown. Affected: yes.
Comment: This variant was determined to be of uncertain significance according to ACMG Guidelines, 2015 [PMID:25741868].

CeGaT Center for Human Genetics Tuebingen
Classification: Uncertain significance. Last evaluated: 2017-02-01. Review status: criteria provided, single submitter. Criteria: CeGaT Center For Human Genetics Tuebingen Variant Classification Criteria Version 2. Collection method: clinical testing. Allele origin: germline. Affected: yes. Observed: 1 variant allele.

Literature cited by the submitters: PubMed 22833210 (cited by Ambry Genetics).

NM_007327.4(GRIN1):c.1045G>T (p.Ala349Ser)

Gene: GRIN1 (glutamate ionotropic receptor NMDA type subunit 1; plus strand). Cytogenetic location: 9q34.3.
Variant type: single nucleotide variant.
Coding change: c.1045G>T on transcript NM_007327.4 (MANE Select); coding-DNA position 1045, G replaced by T.
Protein change: p.Ala349Ser; replaces alanine 349 with serine.
Molecular consequence: missense variant.
Genome position (GRCh38, 1-based): chr9:137,158,455, G>T. VCF-style: chr9-137158455-G-T. GRCh37 (hg19) VCF-style: chr9-140052907-G-T.
Other names: c.1045G>T, p.Ala349Ser (NM_000832.7, NM_021569.4); c.1108G>T, p.Ala370Ser (NM_001185090.2, NM_001185091.2); short protein forms A349S, A370S.
Identifiers: ClinVar variation 539843 (VCV000539843.57), dbSNP rs148008303, ClinGen allele CA5360820.